The following is an entry in ClinVar:

ClinVar aggregate classification (germline): Uncertain significance (1 of 4 stars; one submission).

Submission:

Women's Health and Genetics/Laboratory Corporation of America, LabCorp
Classification: Uncertain significance. Last evaluated: 2024-11-05. Review status: criteria provided, single submitter. Criteria: LabCorp Variant Classification Summary - May 2015. Collection method: clinical testing. Allele origin: germline.
Comment: Variant summary: PKD1 c.5833G>C (p.Asp1945His) results in a non-conservative amino acid change located in the polycystin cation channel protein domain of the encoded protein sequence. Four of five in-silico tools predict a damaging effect of the variant on protein function. The variant was absent in 229602 control chromosomes. The available data on variant occurrences in the general population are insufficient to allow any conclusion about variant significance. To our knowledge, no occurrence of c.5833G>C in individuals affected with Polycystic Kidney Disease 1 and no experimental evidence demonstrating its impact on protein function have been reported. No submitters have cited clinical-significance assessments for this variant to ClinVar. Based on the evidence outlined above, the variant was classified as uncertain significance.

NM_001009944.3(PKD1):c.5833G>C (p.Asp1945His)

Gene: PKD1 (polycystin 1, transient receptor potential channel interacting; minus strand). Cytogenetic location: 16p13.3.
Variant type: single nucleotide variant.
Coding change: c.5833G>C on transcript NM_001009944.3 (MANE Select); coding-DNA position 5833, G replaced by C.
Protein change: p.Asp1945His; replaces aspartic acid 1945 with histidine.
Molecular consequence: missense variant.
Genome position (GRCh38, 1-based): chr16:2,109,334, C>G on the plus strand (G>C on the coding strand, the complement: PKD1 is on the minus strand). VCF-style: chr16-2109334-C-G. GRCh37 (hg19) VCF-style: chr16-2159335-C-G.
Other names: c.5833G>C, p.Asp1945His (NM_000296.4); short protein forms D1945H.
Identifiers: ClinVar variation 3629820 (VCV003629820.1).
Genomic context (GRCh38, chr16:2,109,334, plus strand): 5'-TGCGCACCTGCGCCTGGGCCCAGCTCACGTGGTTTTTGCCCCGCACGCTCACCACGTGGT[C>G]TCCGACGCGGGGGAAGCTGTGGGAGAAACGGGGCCCGGGGAGCACCTCGGGGTTGGCCCC-3'
Protein context (NP_001009944.3, residues 1935-1955): RFSHSFPRVG[Asp1945His]HVVSVRGKNH